The following is an entry in ClinVar:

ClinVar aggregate classification (germline): Likely benign (1 of 4 stars; one submission).

Conditions:
Neurodevelopmental disorder with or without variable movement or behavioral abnormalities (NEDMAB). Identifiers: MedGen C5676908, MONDO:0859225, OMIM 619725.

gnomAD v4.1: 3 of 1,599,956 alleles (0.00019%); highest among the groups gnomAD compares: Middle Eastern, 0.033%; no homozygotes.

Submission:

Centre for Medical Genetics,  Mumbai
Classification: Likely benign for Neurodevelopmental disorder with or without variable movement or behavioral abnormalities. Last evaluated: 2026-03-13. Review status: criteria provided, single submitter. Criteria: ACMG Guidelines, 2015. Collection method: provider interpretation. Allele origin: germline. Inheritance: Autosomal dominant inheritance. Affected: no. Observed: 1 variant allele, 1 heterozygote.
Comment: The variant satisfies PM2 criteria; Extremely low frequency in gnomAD population databases. The variant satisfies PP3 criteria; For a missense or a splicing region variant, computational prediction tools unanimously support a deleterious effect on the gene. However, the variant satisfies BS2 criteria; present in heterozygous state in an individual that clinically does not have Neurodevelopmental disorder with or without variable movement or behavioral abnormalities.

Literature cited by the submitters: PubMed 33242881.

NM_021614.4(KCNN2):c.697C>T (p.Arg233Cys)

Gene: KCNN2 (potassium calcium-activated channel subfamily N member 2; plus strand). Cytogenetic location: 5q22.3.
Variant type: single nucleotide variant.
Coding change: c.697C>T on transcript NM_021614.4 (MANE Select); coding-DNA position 697, C replaced by T.
Protein change: p.Arg233Cys; replaces arginine 233 with cysteine.
Molecular consequence: missense variant. On other transcripts: non-coding transcript variant (1).
Genome position (GRCh38, 1-based): chr5:114,362,836, C>T. VCF-style: chr5-114362836-C-T. GRCh37 (hg19) VCF-style: chr5-113698533-C-T.
Other names: c.895C>T, p.Arg299Cys (NM_001372233.1); short protein forms R233C, R299C.
Identifiers: ClinVar variation 4819438 (VCV004819438.1).
Genomic context (GRCh38, chr5:114,362,836, plus strand): 5'-ATGAGCAGCTGCAGGTACAACGGGGGCGTCATGCGGCCGCTCAGCAACTTGAGCGCGTCC[C>T]GCCGGAACCTGCACGAGATGGACTCAGAGGCGCAGCCCCTGCAGCCCCCCGCGTCTGTCG-3'
Protein context (NP_067627.3, residues 223-243): MRPLSNLSAS[Arg233Cys]RNLHEMDSEA